The following is an entry in ClinVar:

ClinVar aggregate classification (germline): Uncertain significance. Review status: criteria provided, multiple submitters, no conflicts (2 of 4 stars). 2 submissions from 2 submitters: Uncertain significance (2). Last evaluated 2024-12-06.

Conditions:
Hereditary cancer-predisposing syndrome. Also called: Neoplastic Syndromes, Hereditary; Tumor predisposition; Hereditary neoplastic syndrome; Hereditary Cancer Syndrome. Identifiers: Orphanet 140162, MedGen C0027672, MeSH D009386, MONDO:0015356.

Allele frequency attached by ClinVar (database versions not stated): gnomAD exomes below 0.00001.
gnomAD v4.1: 1 of 1,613,604 alleles (0.000062%); highest among the groups gnomAD compares: Non-Finnish European, 0.000085%; no homozygotes.

Submissions (2):

Labcorp Genetics (formerly Invitae), Labcorp
Classification: Uncertain significance. Last evaluated: 2024-12-06. Review status: criteria provided, single submitter. Criteria: Invitae Variant Classification Sherloc (09022015). Collection method: clinical testing. Allele origin: germline.
Comment: This sequence change replaces histidine, which is basic and polar, with tyrosine, which is neutral and polar, at codon 662 of the MSH3 protein (p.His662Tyr). This variant is not present in population databases (gnomAD no frequency). This variant has not been reported in the literature in individuals affected with MSH3-related conditions. ClinVar contains an entry for this variant (Variation ID: 2451055). An algorithm developed to predict the effect of missense changes on protein structure and function (PolyPhen-2) suggests that this variant is likely to be tolerated. In summary, the available evidence is currently insufficient to determine the role of this variant in disease. Therefore, it has been classified as a Variant of Uncertain Significance.

Ambry Genetics
Classification: Uncertain significance for Hereditary cancer-predisposing syndrome. Last evaluated: 2022-12-24. Review status: criteria provided, single submitter. Criteria: Ambry Variant Classification Scheme 2023. Collection method: clinical testing. Allele origin: germline.
Comment: The p.H662Y variant (also known as c.1984C>T), located in coding exon 14 of the MSH3 gene, results from a C to T substitution at nucleotide position 1984. The histidine at codon 662 is replaced by tyrosine, an amino acid with similar properties. This amino acid position is conserved. In addition, this alteration is predicted to be tolerated by in silico analysis. Since supporting evidence is limited at this time, the clinical significance of this alteration remains unclear.

NM_002439.5(MSH3):c.1984C>T (p.His662Tyr)

Gene: MSH3 (mutS homolog 3; plus strand). Cytogenetic location: 5q14.1.
Variant type: single nucleotide variant.
Coding change: c.1984C>T on transcript NM_002439.5 (MANE Select); coding-DNA position 1984, C replaced by T.
Protein change: p.His662Tyr; replaces histidine 662 with tyrosine.
Molecular consequence: missense variant.
Genome position (GRCh38, 1-based): chr5:80,768,020, C>T. VCF-style: chr5-80768020-C-T. GRCh37 (hg19) VCF-style: chr5-80063839-C-T.
Other names: short protein forms H662Y.
Identifiers: ClinVar variation 2451055 (VCV002451055.4), dbSNP rs2546773624, ClinGen allele CA360277639.